The following is an entry in ClinVar:

ClinVar aggregate classification (germline): Uncertain significance. Review status: criteria provided, multiple submitters, no conflicts (2 of 4 stars). 5 submissions from 5 submitters: Uncertain significance (5). Last evaluated 2025-08-24.

Conditions:
Inborn genetic diseases. Identifiers: MedGen C0950123, MeSH D030342.
IGF1R-related disorder. Also called: IGF1R-related condition.

Allele frequency attached by ClinVar (database versions not stated): gnomAD exomes 0.00004 and 0.00010; gnomAD 0.00005 and 0.00006; ESP Exome Variant Server 0.00008; TOPMed 0.00009; ExAC 0.00011.
gnomAD v4.1: 74 of 1,613,930 alleles (0.0046%); highest among the groups gnomAD compares: Middle Eastern, 0.049%; no homozygotes.

Submissions (5):

PreventionGenetics, part of Exact Sciences
Classification: Uncertain significance for IGF1R-related condition. Last evaluated: 2025-08-24. Review status: criteria provided, single submitter. Criteria: ACMG Guidelines, 2015. Collection method: clinical testing. Allele origin: germline.
Comment: The IGF1R c.2077G>A variant is predicted to result in the amino acid substitution p.Gly693Ser. To our knowledge, this variant has not been reported in the literature. This variant is reported in 0.016% of alleles in individuals of European (Non-Finnish) descent in gnomAD. At this time, the clinical significance of this variant is uncertain due to the absence of conclusive functional and genetic evidence.

Blueprint Genetics
Classification: Uncertain significance. Last evaluated: 2024-11-08. Review status: criteria provided, single submitter. Criteria: ACMG Guidelines, 2015. Collection method: clinical testing. Allele origin: germline.

Labcorp Genetics (formerly Invitae), Labcorp
Classification: Uncertain significance. Last evaluated: 2024-02-26. Review status: criteria provided, single submitter. Criteria: Invitae Variant Classification Sherloc (09022015). Collection method: clinical testing. Allele origin: germline.
Comment: This sequence change replaces glycine, which is neutral and non-polar, with serine, which is neutral and polar, at codon 693 of the IGF1R protein (p.Gly693Ser). This variant is present in population databases (rs375617925, gnomAD 0.02%). This variant has not been reported in the literature in individuals affected with IGF1R-related conditions. ClinVar contains an entry for this variant (Variation ID: 1373371). An algorithm developed to predict the effect of missense changes on protein structure and function (PolyPhen-2) suggests that this variant is likely to be disruptive. In summary, the available evidence is currently insufficient to determine the role of this variant in disease. Therefore, it has been classified as a Variant of Uncertain Significance.

CeGaT Center for Human Genetics Tuebingen
Classification: Uncertain significance. Last evaluated: 2023-10-01. Review status: criteria provided, single submitter. Criteria: CeGaT Center For Human Genetics Tuebingen Variant Classification Criteria Version 2. Collection method: clinical testing. Allele origin: germline. Affected: yes. Observed: 1 variant allele.

Ambry Genetics
Classification: Uncertain significance for Inborn genetic diseases. Last evaluated: 2021-01-11. Review status: criteria provided, single submitter. Criteria: Ambry Variant Classification Scheme 2023. Collection method: clinical testing. Allele origin: germline.
Comment: The c.2077G>A (p.G693S) alteration is located in exon 10 (coding exon 10) of the IGF1R gene. This alteration results from a G to A substitution at nucleotide position 2077, causing the glycine (G) at amino acid position 693 to be replaced by a serine (S). The p.G693S alteration is predicted to be tolerated by in silico analysis. Based on insufficient or conflicting evidence, the clinical significance of this alteration remains unclear.

NM_000875.5(IGF1R):c.2077G>A (p.Gly693Ser)

Gene: IGF1R (insulin like growth factor 1 receptor; plus strand). Cytogenetic location: 15q26.3.
Variant type: single nucleotide variant.
Coding change: c.2077G>A on transcript NM_000875.5 (MANE Select); coding-DNA position 2077, G replaced by A.
Protein change: p.Gly693Ser; replaces glycine 693 with serine.
Molecular consequence: missense variant.
Genome position (GRCh38, 1-based): chr15:98,916,752, G>A. VCF-style: chr15-98916752-G-A. GRCh37 (hg19) VCF-style: chr15-99459981-G-A.
Other names: c.2077G>A (NM_000875.4, NM_000875.3); c.2077G>A, p.Gly693Ser (NM_001291858.2); short protein forms G693S.
Identifiers: ClinVar variation 1373371 (VCV001373371.33), dbSNP rs375617925, ClinGen allele CA7752289.